The following is an entry in ClinVar:

NM_014795.4(ZEB2):c.3180T>G (p.Cys1060Trp)

Gene: ZEB2 (zinc finger E-box binding homeobox 2; minus strand). Cytogenetic location: 2q22.3.
Variant type: single nucleotide variant.
Coding change: c.3180T>G on transcript NM_014795.4 (MANE Select); coding-DNA position 3180, T replaced by G.
Protein change: p.Cys1060Trp; replaces cysteine 1060 with tryptophan.
Molecular consequence: missense variant.
Genome position (GRCh38, 1-based): chr2:144,389,916, A>C on the plus strand (T>G on the coding strand, the complement: ZEB2 is on the minus strand). VCF-style: chr2-144389916-A-C. GRCh37 (hg19) VCF-style: chr2-145147483-A-C.
Other names: c.3108T>G, p.Cys1036Trp (NM_001171653.2); short protein forms C1036W, C1060W.
Identifiers: ClinVar variation 1300847 (VCV001300847.2), dbSNP rs1703134531, ClinGen allele CA348700582.

ClinVar aggregate classification (germline): Likely pathogenic (1 of 4 stars; one submission).

Submission:

GeneDx
Classification: Likely pathogenic. Last evaluated: 2021-04-06. Review status: criteria provided, single submitter. Criteria: GeneDx Variant Classification Process June 2021. Collection method: clinical testing. Allele origin: germline. Affected: yes.
Comment: Not observed in large population cohorts (Lek et al., 2016); In silico analysis supports that this missense variant has a deleterious effect on protein structure/function; Has not been previously published as pathogenic or benign to our knowledge